The following is an entry in ClinVar:

ClinVar aggregate classification (germline): Uncertain significance (1 of 4 stars; one submission).

gnomAD v4.1: 1 of 1,614,106 alleles (0.000062%); highest among the groups gnomAD compares: African/African-American, 0.0013%; no homozygotes.

Submission:

Labcorp Genetics (formerly Invitae), Labcorp
Classification: Uncertain significance. Last evaluated: 2024-04-02. Review status: criteria provided, single submitter. Criteria: Invitae Variant Classification Sherloc (09022015). Collection method: clinical testing. Allele origin: germline.
Comment: This sequence change replaces serine, which is neutral and polar, with glycine, which is neutral and non-polar, at codon 1112 of the CTR9 protein (p.Ser1112Gly). This variant is not present in population databases (gnomAD no frequency). This variant has not been reported in the literature in individuals affected with CTR9-related conditions. An algorithm developed to predict the effect of missense changes on protein structure and function (PolyPhen-2) suggests that this variant is likely to be tolerated. In summary, the available evidence is currently insufficient to determine the role of this variant in disease. Therefore, it has been classified as a Variant of Uncertain Significance.

NM_014633.5(CTR9):c.3334A>G (p.Ser1112Gly)

Gene: CTR9 (CTR9 component of Paf1/RNA polymerase II complex; plus strand). Cytogenetic location: 11p15.4.
Variant type: single nucleotide variant.
Coding change: c.3334A>G on transcript NM_014633.5 (MANE Select); coding-DNA position 3334, A replaced by G.
Protein change: p.Ser1112Gly; replaces serine 1112 with glycine.
Molecular consequence: missense variant.
Genome position (GRCh38, 1-based): chr11:10,778,917, A>G. VCF-style: chr11-10778917-A-G. GRCh37 (hg19) VCF-style: chr11-10800464-A-G.
Other names: c.3262A>G, p.Ser1088Gly (NM_001346279.2); short protein forms S1088G, S1112G.
Identifiers: ClinVar variation 3692031 (VCV003692031.2).